The following is an entry in ClinVar:

NM_015346.4(ZFYVE26):c.4715_4716insCTATTAATGTC (p.Ile1572_Pro1573insTyrTer)

Gene: ZFYVE26 (zinc finger FYVE-type containing 26; minus strand). Cytogenetic location: 14q24.1.
Variant type: Insertion.
Coding change: c.4715_4716insCTATTAATGTC on transcript NM_015346.4 (MANE Select); coding-DNA positions 4715 to 4716, CTATTAATGTC inserted.
Protein change: p.Ile1572_Pro1573insTyrTer.
Molecular consequence: nonsense, inframe insertion.
Genome position: GRCh38 VCF-style: chr14-67778207-A-AGACATTAATAG. GRCh37 (hg19) VCF-style: chr14-68244924-A-AGACATTAATAG.
Identifiers: ClinVar variation 1724821 (VCV001724821.2), dbSNP rs2502791517, ClinGen allele CA2580088607.

ClinVar aggregate classification (germline): Likely pathogenic (1 of 4 stars; one submission).

Conditions:
Hereditary spastic paraplegia 15 (SPG15). Also called: SPASTIC PARAPLEGIA 15, AUTOSOMAL RECESSIVE; KJELLIN SYNDROME; SPASTIC PARAPLEGIA AND RETINAL DEGENERATION. Identifiers: Orphanet 100996, MedGen C1849128, MONDO:0010044, OMIM 270700.

Submission:

Myriad Genetics, Inc.
Classification: Likely pathogenic for Hereditary spastic paraplegia 15. Last evaluated: 2022-02-28. Review status: criteria provided, single submitter. Criteria: Myriad Women's Health Autosomal Recessive and X-Linked Classification Criteria (2021). Collection method: clinical testing. Allele origin: unknown.
Comment: NM_015346.3(ZFYVE26):c.4715_4716ins11(P1573Yfs*2) is expected to be pathogenic in the context of spastic paraplegia type 15. This variant is predicted to lead to an abnormal or absent protein product due to the creation of a premature termination codon in ZFYVE26, a gene where loss-of-function variants are known to be pathogenic. Please note: this variant was assessed in the context of healthy population screening.